The following is an entry in ClinVar:

ClinVar aggregate classification (germline): Conflicting classifications of pathogenicity. Review status: criteria provided, conflicting classifications (1 of 4 stars). 2 submissions from 2 submitters: Uncertain significance (1); Likely benign (1). Last evaluated 2025-10-01.

Allele frequency attached by ClinVar (database versions not stated): gnomAD exomes below 0.00001.
gnomAD v4.1: 3 of 1,613,872 alleles (0.00019%); highest among the groups gnomAD compares: East Asian, 0.0022%; no homozygotes.

Submissions (2):

CeGaT Center for Human Genetics Tuebingen
Classification: Likely benign. Last evaluated: 2025-10-01. Review status: criteria provided, single submitter. Criteria: CeGaT Center For Human Genetics Tuebingen Variant Classification Criteria Version 2. Collection method: clinical testing. Allele origin: germline. Affected: yes. Observed: 1 variant allele.
Comment: SYNE2: PM2:Supporting, BP4, BP5

Ambry Genetics
Classification: Uncertain significance. Last evaluated: 2023-06-27. Review status: criteria provided, single submitter. Criteria: Ambry Variant Classification Scheme 2023. Collection method: clinical testing. Allele origin: germline.

NM_182914.3(SYNE2):c.8971A>G (p.Ile2991Val)

Gene: SYNE2 (spectrin repeat containing nuclear envelope protein 2; plus strand). Cytogenetic location: 14q23.2.
Variant type: single nucleotide variant.
Coding change: c.8971A>G on transcript NM_182914.3 (MANE Select); coding-DNA position 8971, A replaced by G.
Protein change: p.Ile2991Val; replaces isoleucine 2991 with valine.
Molecular consequence: missense variant.
Genome position (GRCh38, 1-based): chr14:64,052,884, A>G. VCF-style: chr14-64052884-A-G. GRCh37 (hg19) VCF-style: chr14-64519602-A-G.
Other names: c.8971A>G, p.Ile2991Val (NM_015180.6); short protein forms I2991V.
Identifiers: ClinVar variation 2606723 (VCV002606723.8), dbSNP rs1567164150, ClinGen allele CA389973665.